The following is an entry in ClinVar:

NM_001256864.2(DNAJC6):c.79G>T (p.Asp27Tyr)

Gene: DNAJC6 (DnaJ heat shock protein family (Hsp40) member C6; plus strand). Cytogenetic location: 1p31.3.
Variant type: single nucleotide variant.
Coding change: c.79G>T on transcript NM_001256864.2 (MANE Select); coding-DNA position 79, G replaced by T.
Protein change: p.Asp27Tyr; replaces aspartic acid 27 with tyrosine.
Molecular consequence: missense variant. On other transcripts: intron variant (2).
Genome position (GRCh38, 1-based): chr1:65,309,824, G>T. VCF-style: chr1-65309824-G-T. GRCh37 (hg19) VCF-style: chr1-65775507-G-T.
Other names: c.-130-35787G>T (NM_001256865.2); c.22+44892G>T (NM_014787.4); short protein forms D27Y.
Identifiers: ClinVar variation 2170667 (VCV002170667.4), dbSNP rs1645080178, ClinGen allele CA340662948.

ClinVar aggregate classification (germline): Uncertain significance (1 of 4 stars; one submission).

Conditions:
Juvenile onset Parkinson disease 19A. Also called: PARK19; DNAJC6 Parkinson Disease. Identifiers: Orphanet 391411, MedGen C3809811, MONDO:0014231, OMIM 615528.

Allele frequency attached by ClinVar (database versions not stated): gnomAD exomes below 0.00001; TOPMed below 0.00001; gnomAD 0.00001.
gnomAD v4.1: 3 of 1,549,400 alleles (0.00019%); highest among the groups gnomAD compares: South Asian, 0.0012%; no homozygotes.

Submission:

Labcorp Genetics (formerly Invitae), Labcorp
Classification: Uncertain significance for Juvenile onset Parkinson disease 19A. Last evaluated: 2023-07-10. Review status: criteria provided, single submitter. Criteria: Invitae Variant Classification Sherloc (09022015). Collection method: clinical testing. Allele origin: germline.
Comment: In summary, the available evidence is currently insufficient to determine the role of this variant in disease. Therefore, it has been classified as a Variant of Uncertain Significance. An algorithm developed to predict the effect of missense changes on protein structure and function (PolyPhen-2) suggests that this variant is likely to be disruptive. ClinVar contains an entry for this variant (Variation ID: 2170667). This variant has not been reported in the literature in individuals affected with DNAJC6-related conditions. This variant is not present in population databases (gnomAD no frequency). This sequence change replaces aspartic acid, which is acidic and polar, with tyrosine, which is neutral and polar, at codon 27 of the DNAJC6 protein (p.Asp27Tyr).